The following is an entry in ClinVar:

NM_031942.5(CDCA7):c.16G>A (p.Val6Met)

Gene: CDCA7 (cell division cycle associated 7; plus strand). Cytogenetic location: 2q31.1.
Variant type: single nucleotide variant.
Coding change: c.16G>A on transcript NM_031942.5 (MANE Select); coding-DNA position 16, G replaced by A.
Protein change: p.Val6Met; replaces valine 6 with methionine.
Molecular consequence: missense variant.
Genome position (GRCh38, 1-based): chr2:173,354,979, G>A. VCF-style: chr2-173354979-G-A. GRCh37 (hg19) VCF-style: chr2-174219707-G-A.
Other names: c.16G>A, p.Val6Met (NM_145810.3); short protein forms V6M.
Identifiers: ClinVar variation 2048600 (VCV002048600.4), dbSNP rs775999064, ClinGen allele CA1971121.
Genomic context (GRCh38, chr2:173,354,979, plus strand): 5'-CCGCTCTCCCCGCTCCAAGCGCCGATCTGGGCACCCGCCACCAGCATGGACGCTCGCCGC[G>A]TGCCGGTGAGGGCTGGGCGGGCGAACCCGAGGGGCGGGCGCGGTGGGTGCTGGACGCAGG-3'
Protein context (NP_114148.3, residues 1-16): MDARR[Val6Met]PQKDLRVKKN

ClinVar aggregate classification (germline): Uncertain significance (1 of 4 stars; one submission).

Allele frequency attached by ClinVar (database versions not stated): ExAC 0.00029.
gnomAD v4.1: 6 of 1,441,750 alleles (0.00042%); highest among the groups gnomAD compares: South Asian, 0.0085%; 1 homozygote.

Submission:

Labcorp Genetics (formerly Invitae), Labcorp
Classification: Uncertain significance. Last evaluated: 2022-07-30. Review status: criteria provided, single submitter. Criteria: Invitae Variant Classification Sherloc (09022015). Collection method: clinical testing. Allele origin: germline.
Comment: In summary, the available evidence is currently insufficient to determine the role of this variant in disease. Therefore, it has been classified as a Variant of Uncertain Significance. Algorithms developed to predict the effect of missense changes on protein structure and function output the following: SIFT: "Deleterious"; PolyPhen-2: "Benign"; Align-GVGD: "Class C0". The methionine amino acid residue is found in multiple mammalian species, which suggests that this missense change does not adversely affect protein function. This variant has not been reported in the literature in individuals affected with CDCA7-related conditions. The frequency data for this variant in the population databases is considered unreliable, as metrics indicate poor data quality at this position in the gnomAD database. This sequence change replaces valine, which is neutral and non-polar, with methionine, which is neutral and non-polar, at codon 6 of the CDCA7 protein (p.Val6Met).